The following is an entry in ClinVar:

NM_015909.4(NBAS):c.5079C>G (p.Tyr1693Ter)

Gene: NBAS (NBAS subunit of NRZ tethering complex; minus strand). Cytogenetic location: 2p24.3.
Variant type: single nucleotide variant.
Coding change: c.5079C>G on transcript NM_015909.4 (MANE Select); coding-DNA position 5079, C replaced by G.
Protein change: p.Tyr1693Ter; replaces tyrosine 1693 with a stop codon.
Molecular consequence: nonsense. On other transcripts: non-coding transcript variant (1).
Genome position (GRCh38, 1-based): chr2:15,287,132, G>C on the plus strand (C>G on the coding strand, the complement: NBAS is on the minus strand). VCF-style: chr2-15287132-G-C. GRCh37 (hg19) VCF-style: chr2-15427256-G-C.
Other names: short protein forms Y1693*.
Identifiers: ClinVar variation 1955827 (VCV001955827.5), dbSNP rs751002986, ClinGen allele CA345886877.
Genomic context (GRCh38, chr2:15,287,132, plus strand): 5'-CCCACTGTCCGTGAAGAGGAACTCCAAATGGGTCATAAAAACTTCCCAGCGGGAGACACT[G>C]TAACGTTGTGCCAGAGAAATAGCAATGCTGTAGACGCTTTCCTCTAGAGTTCTGCAGAAA-3'

ClinVar aggregate classification (germline): Pathogenic (1 of 4 stars; one submission).

Allele frequency attached by ClinVar (database versions not stated): TOPMed 0.00002; gnomAD exomes 0.00001.
gnomAD v4.1: 8 of 1,613,942 alleles (0.0005%); highest among the groups gnomAD compares: Admixed American, 0.0067%; no homozygotes.

Submission:

Labcorp Genetics (formerly Invitae), Labcorp
Classification: Pathogenic. Last evaluated: 2025-09-07. Review status: criteria provided, single submitter. Criteria: Invitae Variant Classification Sherloc (09022015). Collection method: clinical testing. Allele origin: germline.
Comment: This sequence change creates a premature translational stop signal (p.Tyr1693*) in the NBAS gene. It is expected to result in an absent or disrupted protein product. Loss-of-function variants in NBAS are known to be pathogenic (PMID: 26073778, 26541327, 27789416, 28031453). This variant is present in population databases (no rsID available, gnomAD no frequency). This variant has not been reported in the literature in individuals affected with NBAS-related conditions. ClinVar contains an entry for this variant (Variation ID: 1955827). For these reasons, this variant has been classified as Pathogenic.

Literature cited by the submitters: PubMed 26073778; PubMed 26541327; PubMed 27789416; PubMed 28031453.